The following is an entry in ClinVar:

ClinVar aggregate classification (germline): Uncertain significance (0 of 4 stars; one submission).

Conditions:
RNF125-related disorder. Also called: RNF125-related condition.

Allele frequency attached by ClinVar (database versions not stated): ExAC 0.00002.
gnomAD v4.1: 3 of 1,598,216 alleles (0.00019%); highest among the groups gnomAD compares: Admixed American, 0.005%; no homozygotes.

Submission:

PreventionGenetics, part of Exact Sciences
Classification: Uncertain significance for RNF125-related condition. Last evaluated: 2023-12-14. Review status: no assertion criteria provided. Collection method: clinical testing. Allele origin: germline.
Comment: The RNF125 c.594G>T variant is predicted to result in the amino acid substitution p.Leu198Phe. To our knowledge, this variant has not been reported in the literature. This variant is reported in 0.0087% of alleles in individuals of Latino descent in gnomAD. At this time, the clinical significance of this variant is uncertain due to the absence of conclusive functional and genetic evidence.

NM_017831.4(RNF125):c.594G>T (p.Leu198Phe)

Gene: RNF125 (ring finger protein 125; plus strand). Cytogenetic location: 18q12.1.
Variant type: single nucleotide variant.
Coding change: c.594G>T on transcript NM_017831.4 (MANE Select); coding-DNA position 594, G replaced by T.
Protein change: p.Leu198Phe; replaces leucine 198 with phenylalanine.
Molecular consequence: missense variant.
Genome position (GRCh38, 1-based): chr18:32,065,991, G>T. VCF-style: chr18-32065991-G-T. GRCh37 (hg19) VCF-style: chr18-29645954-G-T.
Other names: short protein forms L198F.
Identifiers: ClinVar variation 3032067 (VCV003032067.2), dbSNP rs769263274, ClinGen allele CA8930545.